The following is an entry in ClinVar:

NM_000642.3(AGL):c.1185+15T>C

Gene: AGL (amylo-alpha-1,6-glucosidase and 4-alpha-glucanotransferase; plus strand). Cytogenetic location: 1p21.2.
Variant type: single nucleotide variant.
Coding change: c.1185+15T>C on transcript NM_000642.3 (MANE Select); 15 bases into the intron after coding-DNA position 1185, T replaced by C.
Molecular consequence: intron variant.
Genome position (GRCh38, 1-based): chr1:99,875,271, T>C. VCF-style: chr1-99875271-T-C. GRCh37 (hg19) VCF-style: chr1-100340827-T-C.
Other names: c.1185+15T>C (NM_000643.3, NM_000644.3, NM_001425326.1 and 2 more transcripts); c.1137+15T>C (NM_000646.3); c.1082+461T>C (NM_001425327.1); c.981+15T>C (NM_001425328.1, NM_001425329.1); c.807+15T>C (NM_001425332.1).
Identifiers: ClinVar variation 256720 (VCV000256720.23), dbSNP rs17121466, ClinGen allele CA966410.

ClinVar aggregate classification (germline): Benign. Review status: criteria provided, multiple submitters, no conflicts (2 of 4 stars). 8 submissions from 8 submitters: Benign (7). 1 of the submissions does not count toward it. Last evaluated 2026-02-04.

Conditions:
Glycogen storage disease type III (GSD3). Also called: FORBES DISEASE; Cori disease. Identifiers: Orphanet 366, MedGen C0017922, MONDO:0009291, OMIM 232400.

Allele frequency attached by ClinVar (database versions not stated): ESP Exome Variant Server 0.01884; gnomAD 0.01894 and 0.02077; TOPMed 0.02099; gnomAD exomes 0.02605 and 0.03080; ExAC 0.03011; 1000 Genomes Project 0.03135; 1000 Genomes Project 30x 0.03170.
gnomAD v4.1: 41,193 of 1,612,916 alleles (2.6%); highest among the groups gnomAD compares: South Asian, 7.2%; 700 homozygotes.

Submissions (8):

Labcorp Genetics (formerly Invitae), Labcorp
Classification: Benign for Glycogen storage disease type III. Last evaluated: 2026-02-04. Review status: criteria provided, single submitter. Criteria: Invitae Variant Classification Sherloc (09022015). Collection method: clinical testing. Allele origin: germline.

Blueprint Genetics
Classification: Benign. Last evaluated: 2024-11-26. Review status: criteria provided, single submitter. Criteria: ACMG Guidelines, 2015. Collection method: clinical testing. Allele origin: germline.

Genome-Nilou Lab
Classification: Benign for Glycogen storage disease type III. Last evaluated: 2021-07-15. Review status: criteria provided, single submitter. Criteria: ACMG Guidelines, 2015. Collection method: clinical testing. Allele origin: germline. Affected: no.

Illumina Laboratory Services, Illumina
Classification: Benign for Glycogen storage disease type III. Last evaluated: 2018-01-13. Review status: criteria provided, single submitter. Criteria: ICSL Variant Classification Criteria 13 December 2019. Collection method: clinical testing. Allele origin: germline.
Comment: This variant was observed in the ICSL laboratory as part of a predisposition screen in an ostensibly healthy population. It had not been previously curated by ICSL or reported in the Human Gene Mutation Database (HGMD: prior to June 1st, 2018), and was therefore a candidate for classification through an automated scoring system. Utilizing variant allele frequency, disease prevalence and penetrance estimates, and inheritance mode, an automated score was calculated to assess if this variant is too frequent to cause the disease. Based on the score and internal cut-off values, a variant classified as benign is not then subjected to further curation. The score for this variant resulted in a classification of benign for this disease.

GeneDx
Classification: Benign. Last evaluated: 2016-01-23. Review status: criteria provided, single submitter. Criteria: GeneDx Variant Classification (06012015). Collection method: clinical testing. Allele origin: germline. Affected: yes.
Comment: This variant is considered likely benign or benign based on one or more of the following criteria: it is a conservative change, it occurs at a poorly conserved position in the protein, it is predicted to be benign by multiple in silico algorithms, and/or has population frequency not consistent with disease.

Breakthrough Genomics
Classification: Benign. Review status: criteria provided, single submitter. Criteria: ACMG Guidelines, 2015. Collection method: not provided. Allele origin: germline. Inheritance: Autosomal recessive inheritance. Affected: yes.

PreventionGenetics, part of Exact Sciences
Classification: Benign. Review status: criteria provided, single submitter. Criteria: ACMG Guidelines, 2015. Collection method: clinical testing. Allele origin: germline.

Mayo Clinic Laboratories, Mayo Clinic
Classification: Benign. Last evaluated: 2015-12-16. Review status: no assertion criteria provided. Collection method: clinical testing. Allele origin: unknown. Not counted in ClinVar's aggregate classification.